The following is an entry in ClinVar:

NM_153460.4(IL17RC):c.891C>A (p.His297Gln)

Gene: IL17RC (interleukin 17 receptor C; plus strand). Cytogenetic location: 3p25.3.
Variant type: single nucleotide variant.
Coding change: c.891C>A on transcript NM_153460.4 (MANE Select); coding-DNA position 891, C replaced by A.
Protein change: p.His297Gln; replaces histidine 297 with glutamine.
Molecular consequence: missense variant. On other transcripts: non-coding transcript variant (1).
Genome position (GRCh38, 1-based): chr3:9,928,318, C>A. VCF-style: chr3-9928318-C-A. GRCh37 (hg19) VCF-style: chr3-9970002-C-A.
Other names: c.891C>A, p.His297Gln (NM_001203263.2, NM_001203264.2); c.846C>A, p.His282Gln (NM_001203265.2, NM_001367280.1, NM_001410711.1 and 1 more transcripts); c.852C>A, p.His284Gln (NM_001367278.1); c.771C>A, p.His257Gln (NM_001367279.1); c.1104C>A, p.His368Gln (NM_153461.4); short protein forms H282Q, H284Q, H297Q, H368Q, H257Q.
Identifiers: ClinVar variation 2764686 (VCV002764686.3), dbSNP rs761725488, ClinGen allele CA351761315.
Genomic context (GRCh38, chr3:9,928,318, plus strand): 5'-CGAGCGATGGGTACCTGGCCTGCGGTGACTGTGCCCTTTCCTTGCAGACCCCCGCGCACA[C>A]CAGAACCTCTGGCAAGCCGCCCGACTGCAACTGCTGACCCTGCAGAGCTGGCTGCTGGAC-3'
Protein context (NP_703190.2, residues 287-307): ICPFREDPRA[His297Gln]QNLWQAARLQ

ClinVar aggregate classification (germline): Uncertain significance (1 of 4 stars; one submission).

Conditions:
Candidiasis, familial, 9 (CANDF9). Identifiers: Orphanet 1334, MedGen C4225324, MONDO:0014642, OMIM 616445.

Allele frequency attached by ClinVar (database versions not stated): gnomAD 0.00001.

Submission:

Labcorp Genetics (formerly Invitae), Labcorp
Classification: Uncertain significance for Candidiasis, familial, 9. Last evaluated: 2023-06-03. Review status: criteria provided, single submitter. Criteria: Invitae Variant Classification Sherloc (09022015). Collection method: clinical testing. Allele origin: germline.
Comment: In summary, the available evidence is currently insufficient to determine the role of this variant in disease. Therefore, it has been classified as a Variant of Uncertain Significance. An algorithm developed to predict the effect of missense changes on protein structure and function (PolyPhen-2) suggests that this variant is likely to be tolerated. This variant has not been reported in the literature in individuals affected with IL17RC-related conditions. This variant is not present in population databases (gnomAD no frequency). This sequence change replaces histidine, which is basic and polar, with glutamine, which is neutral and polar, at codon 368 of the IL17RC protein (p.His368Gln).